The following is an entry in ClinVar:

NM_053025.4(MYLK):c.4042C>G (p.Leu1348Val)

Gene: MYLK (myosin light chain kinase; minus strand). Cytogenetic location: 3q21.1.
Variant type: single nucleotide variant.
Coding change: c.4042C>G on transcript NM_053025.4 (MANE Select); coding-DNA position 4042, C replaced by G.
Protein change: p.Leu1348Val; replaces leucine 1348 with valine.
Molecular consequence: missense variant.
Genome position (GRCh38, 1-based): chr3:123,657,372, G>C on the plus strand (C>G on the coding strand, the complement: MYLK is on the minus strand). VCF-style: chr3-123657372-G-C. GRCh37 (hg19) VCF-style: chr3-123376219-G-C.
Other names: c.3514C>G, p.Leu1172Val (NM_001321309.2); c.3835C>G, p.Leu1279Val (NM_053026.4, NM_053028.4); c.4042C>G, p.Leu1348Val (NM_053027.4); short protein forms L1279V, L1348V, L1172V.
Identifiers: ClinVar variation 3876585 (VCV003876585.1).

ClinVar aggregate classification (germline): Uncertain significance (1 of 4 stars; one submission).

Conditions:
Familial thoracic aortic aneurysm and aortic dissection (TAAD). Also called: Thoracic aortic aneurysms and dissections. Identifiers: Orphanet 91387, MedGen C4707243, MONDO:0019625.

Submission:

Ambry Genetics
Classification: Uncertain significance for Familial thoracic aortic aneurysm and aortic dissection. Last evaluated: 2025-01-16. Review status: criteria provided, single submitter. Criteria: Ambry Variant Classification Scheme 2023. Collection method: clinical testing. Allele origin: germline.
Comment: The p.L1348V variant (also known as c.4042C>G), located in coding exon 21 of the MYLK gene, results from a C to G substitution at nucleotide position 4042. The leucine at codon 1348 is replaced by valine, an amino acid with highly similar properties. This amino acid position is conserved. In addition, the in silico prediction for this alteration is inconclusive. Based on the available evidence, the clinical significance of this variant remains unclear.